The following is an entry in ClinVar:

ClinVar aggregate classification (germline): Uncertain significance. Review status: criteria provided, multiple submitters, no conflicts (2 of 4 stars). 2 submissions from 2 submitters: Uncertain significance (2). Last evaluated 2025-03-22.

Conditions:
Hereditary cancer-predisposing syndrome. Also called: Tumor predisposition; Neoplastic Syndromes, Hereditary; Hereditary Cancer Syndrome; Hereditary neoplastic syndrome. Identifiers: Orphanet 140162, MedGen C0027672, MeSH D009386, MONDO:0015356.
Cardiovascular phenotype. Identifiers: MedGen CN230736.
Neurofibromatosis, type 1 (NF1). Also called: Neurofibromatosis, type I; NEUROFIBROMATOSIS, TYPE I, SOMATIC; Peripheral type neurofibromatosis; VON RECKLINGHAUSEN DISEASE. Identifiers: Orphanet 636, MedGen C0027831, MONDO:0018975, OMIM 162200. Disease mechanism: loss of function.

Submissions (2):

Ambry Genetics
Classification: Uncertain significance for Cardiovascular phenotype; Hereditary cancer-predisposing syndrome. Last evaluated: 2025-03-22. Review status: criteria provided, single submitter. Criteria: Ambry Variant Classification Scheme 2023. Collection method: clinical testing. Allele origin: germline.
Comment: The p.S1380I variant (also known as c.4139G>T), located in coding exon 31 of the NF1 gene, results from a G to T substitution at nucleotide position 4139. The serine at codon 1380 is replaced by isoleucine, an amino acid with dissimilar properties. This amino acid position is conserved. In addition, this alteration is predicted to be deleterious by in silico analysis. Based on the available evidence, the clinical significance of this variant remains unclear.

Labcorp Genetics (formerly Invitae), Labcorp
Classification: Uncertain significance for Neurofibromatosis, type 1. Last evaluated: 2022-01-06. Review status: criteria provided, single submitter. Criteria: Invitae Variant Classification Sherloc (09022015). Collection method: clinical testing. Allele origin: germline.
Comment: In summary, the available evidence is currently insufficient to determine the role of this variant in disease. Therefore, it has been classified as a Variant of Uncertain Significance. Advanced modeling of protein sequence and biophysical properties (such as structural, functional, and spatial information, amino acid conservation, physicochemical variation, residue mobility, and thermodynamic stability) performed at Invitae indicates that this missense variant is expected to disrupt NF1 protein function. ClinVar contains an entry for this variant (Variation ID: 404523). This variant has not been reported in the literature in individuals affected with NF1-related conditions. This variant is not present in population databases (gnomAD no frequency). This sequence change replaces serine, which is neutral and polar, with isoleucine, which is neutral and non-polar, at codon 1380 of the NF1 protein (p.Ser1380Ile).

NM_001042492.3(NF1):c.4202G>T (p.Ser1401Ile)

Gene: NF1 (neurofibromin 1; plus strand). Cytogenetic location: 17q11.2.
Variant type: single nucleotide variant.
Coding change: c.4202G>T on transcript NM_001042492.3 (MANE Select); coding-DNA position 4202, G replaced by T.
Protein change: p.Ser1401Ile; replaces serine 1401 with isoleucine.
Molecular consequence: missense variant.
Genome position (GRCh38, 1-based): chr17:31,258,372, G>T. VCF-style: chr17-31258372-G-T. GRCh37 (hg19) VCF-style: chr17-29585390-G-T.
Other names: c.4139G>T, p.Ser1380Ile (NM_000267.4); short protein forms S1401I, S1380I.
Identifiers: ClinVar variation 404523 (VCV000404523.6), dbSNP rs1060500249, ClinGen allele CA16615510.